The following is an entry in ClinVar:

NM_182977.3(NNT):c.2807G>A (p.Cys936Tyr)

Gene: NNT (nicotinamide nucleotide transhydrogenase; plus strand). Cytogenetic location: 5p12.
Variant type: single nucleotide variant.
Coding change: c.2807G>A on transcript NM_182977.3 (MANE Select); coding-DNA position 2807, G replaced by A.
Protein change: p.Cys936Tyr; replaces cysteine 936 with tyrosine.
Molecular consequence: missense variant.
Genome position (GRCh38, 1-based): chr5:43,677,737, G>A. VCF-style: chr5-43677737-G-A. GRCh37 (hg19) VCF-style: chr5-43677839-G-A.
Other names: c.2414G>A, p.Cys805Tyr (NM_001331026.2); c.2807G>A, p.Cys936Tyr (NM_012343.4); short protein forms C805Y, C936Y.
Identifiers: ClinVar variation 4527874 (VCV004527874.1).
Genomic context (GRCh38, chr5:43,677,737, plus strand): 5'-TTTCAAAATAAAAAACACATTCTTCTGTGTTCTTAATGTTCCTTGCAGGCTATGGTCTCT[G>A]TGCAGCCAAAGCTCAATACCCCATTGCTGATTTGGTAAAGATGCTCACTGAGCAAGGCAA-3'
Protein context (NP_892022.2, residues 926-946): SIIITPGYGL[Cys936Tyr]AAKAQYPIAD

ClinVar aggregate classification (germline): Uncertain significance (1 of 4 stars; one submission).

gnomAD v4.1: 1 of 1,613,484 alleles (0.000062%); highest among the groups gnomAD compares: Admixed American, 0.0017%; no homozygotes.

Submission:

GeneDx
Classification: Uncertain significance. Last evaluated: 2025-04-30. Review status: criteria provided, single submitter. Criteria: GeneDx Variant Classification Process June 2021. Collection method: clinical testing. Allele origin: germline. Affected: yes.
Comment: Not observed at significant frequency in large population cohorts (gnomAD); In silico analysis supports that this missense variant has a deleterious effect on protein structure/function; Has not been previously published as pathogenic or benign to our knowledge